The following is an entry in ClinVar:

ClinVar aggregate classification (germline): Pathogenic/Likely pathogenic. Review status: criteria provided, multiple submitters, no conflicts (2 of 4 stars). 3 submissions from 3 submitters: Pathogenic (2); Likely pathogenic (1). Last evaluated 2025-03-21.

Conditions:
Hypertrophic cardiomyopathy 1 (CMH1). Also called: Familial hypertrophic cardiomyopathy 1; MYH7-Related Familial Hypertrophic Cardiomyopathy. Identifiers: MedGen C3495498, MONDO:0008647, OMIM 192600.
Hypertrophic cardiomyopathy. Also called: HYPERTROPHIC MYOCARDIOPATHY. Identifiers: Orphanet 217569, MedGen C0007194, MeSH D002312, MONDO:0005045, HP:0001639.

Submissions (3):

Labcorp Genetics (formerly Invitae), Labcorp
Classification: Pathogenic for Hypertrophic cardiomyopathy. Last evaluated: 2025-03-21. Review status: criteria provided, single submitter. Criteria: Invitae Variant Classification Sherloc (09022015). Collection method: clinical testing. Allele origin: germline.
Comment: This sequence change replaces proline, which is neutral and non-polar, with serine, which is neutral and polar, at codon 731 of the MYH7 protein (p.Pro731Ser). This variant is not present in population databases (gnomAD no frequency). This missense change has been observed in individuals with hypertrophic cardiomyopathy (HCM) (PMID: 23283745, 24093860, 25078086, 25327599). It has also been observed to segregate with disease in related individuals. ClinVar contains an entry for this variant (Variation ID: 181176). Invitae Evidence Modeling of protein sequence and biophysical properties (such as structural, functional, and spatial information, amino acid conservation, physicochemical variation, residue mobility, and thermodynamic stability) indicates that this missense variant is expected to disrupt MYH7 protein function with a positive predictive value of 95%. This variant is found within a region of MYH7 between codons 181 and 937 that contains the majority of the myosin head domain. Missense variants in this region have been shown to be significantly overrepresented in individuals with hypertrophic cardiomyopathy (PMID: 27532257). For these reasons, this variant has been classified as Pathogenic.

GeneDx
Classification: Pathogenic. Last evaluated: 2012-05-11. Review status: criteria provided, single submitter. Criteria: GeneDx Variant Classification (06012015). Collection method: clinical testing. Allele origin: germline. Affected: yes.
Comment: p.Pro731Ser (CCT>TCT): c.2191 C>T in exon 20 of the MYH7 gene (NM_000257.2). The Pro731Ser mutation in the MYH7 gene has not been reported previously as a disease-causing mutation or as a benign polymorphism to our knowledge. Pro731Ser results in a non-conservative amino acid substitution of a non-polar, sterically constrained Proline with a neutral, polar Serine at a position that is highly conserved in vertebrates. Missense mutations at the same codon (Pro731Leu) and at nearby codons (Ala728Val, Ala729Pro, Gly733Arg, Gly733Glu, Gln734Glu) have been reported in association with cardiomyopathy, supporting the functional importance of this residue and this region of the protein. In addition, the NHLBI ESP Exome Variant Server reports Pro731Ser was not observed in approximately 5000 control samples from individuals of European and African American backgrounds indicating it is not a common, benign variant in these populations. Finally, in-silico analysis predicts Pro731Ser to be damaging to protein structure/function. Therefore, Pro731Ser in the MYH7 gene is interpreted to be a likely disease-causing mutation. The variant is found in HCM panel(s).

Laboratory of Genetics and Molecular Cardiology, University of São Paulo
Classification: Likely pathogenic for Hypertrophic cardiomyopathy 1. Review status: criteria provided, single submitter. Criteria: LGCM Criteria August 2015. Collection method: clinical testing. Allele origin: germline. Inheritance: Autosomal dominant inheritance. Affected: yes. Observed: 4 variant alleles. Study: Sarcomeric Human Cardiomyopathy Registry (ShaRe).

Literature cited by the submitters: PubMed 23283745 (cited by Labcorp Genetics (formerly Invitae), Labcorp); PubMed 24093860 (cited by Labcorp Genetics (formerly Invitae), Labcorp and Laboratory of Genetics and Molecular Cardiology, University of São Paulo); PubMed 25078086 (cited by Labcorp Genetics (formerly Invitae), Labcorp); PubMed 25327599 (cited by Labcorp Genetics (formerly Invitae), Labcorp); PubMed 27532257 (cited by Labcorp Genetics (formerly Invitae), Labcorp).

NM_000257.4(MYH7):c.2191C>T (p.Pro731Ser)

Gene: MYH7 (myosin heavy chain 7; minus strand). Cytogenetic location: 14q11.2.
Variant type: single nucleotide variant.
Coding change: c.2191C>T on transcript NM_000257.4 (MANE Select); coding-DNA position 2191, C replaced by T.
Protein change: p.Pro731Ser; replaces proline 731 with serine.
Molecular consequence: missense variant.
Genome position (GRCh38, 1-based): chr14:23,425,790, G>A on the plus strand (C>T on the coding strand, the complement: MYH7 is on the minus strand). VCF-style: chr14-23425790-G-A. GRCh37 (hg19) VCF-style: chr14-23894999-G-A.
Other names: p.P731S:CCT>TCT; short protein forms P731S.
Identifiers: ClinVar variation 181176 (VCV000181176.11), dbSNP rs727504299, ClinGen allele CA011922.